The following is an entry in ClinVar:

NM_007294.4(BRCA1):c.4992C>A (p.Leu1664=)

Gene: BRCA1 (BRCA1 DNA repair associated; minus strand). Cytogenetic location: 17q21.31.
Variant type: single nucleotide variant.
Coding change: c.4992C>A on transcript NM_007294.4 (MANE Select); coding-DNA position 4992, C replaced by A.
Protein change: p.Leu1664=; no amino-acid change (leucine 1664 retained).
Molecular consequence: synonymous variant. On other transcripts: intron variant (1).
Genome position (GRCh38, 1-based): chr17:43,067,690, G>T on the plus strand (C>A on the coding strand, the complement: BRCA1 is on the minus strand). VCF-style: chr17-43067690-G-T. GRCh37 (hg19) VCF-style: chr17-41219707-G-T.
Other names: c.4779C>A, p.Leu1593= (NM_001407571.1, NM_001407894.1, NM_001407895.1 and 12 more transcripts); c.5058C>A, p.Leu1686= (NM_001407581.1, NM_001407582.1); c.5055C>A, p.Leu1685= (NM_001407583.1, NM_001407585.1, NM_001407587.1 and 1 more transcripts); c.5052C>A, p.Leu1684= (NM_001407590.1, NM_001407591.1); c.4992C>A, p.Leu1664= (NM_001407593.1, NM_001407594.1, NM_001407596.1 and 8 more transcripts); c.4989C>A, p.Leu1663= (NM_001407610.1, NM_001407611.1, NM_001407612.1 and 17 more transcripts); c.4986C>A, p.Leu1662= (NM_001407627.1, NM_001407628.1, NM_001407629.1 and 14 more transcripts); c.4983C>A, p.Leu1661= (NM_001407644.1, NM_001407645.1); and 71 more.
Identifiers: ClinVar variation 1192219 (VCV001192219.4), dbSNP rs142459158, ClinGen allele CA500146399.

ClinVar aggregate classification (germline): Likely benign. Review status: criteria provided, multiple submitters, no conflicts (2 of 4 stars). 2 submissions from 2 submitters: Likely benign (2). Last evaluated 2021-10-08.

Conditions:
Hereditary cancer-predisposing syndrome. Also called: Neoplastic Syndromes, Hereditary; Hereditary neoplastic syndrome; Hereditary Cancer Syndrome; Tumor predisposition. Identifiers: Orphanet 140162, MedGen C0027672, MeSH D009386, MONDO:0015356.

Submissions (2):

Ambry Genetics
Classification: Likely benign for Hereditary cancer-predisposing syndrome. Last evaluated: 2021-10-08. Review status: criteria provided, single submitter. Criteria: Ambry Variant Classification Scheme 2023. Collection method: clinical testing. Allele origin: germline.

Women's Health and Genetics/Laboratory Corporation of America, LabCorp
Classification: Likely benign. Last evaluated: 2021-07-07. Review status: criteria provided, single submitter. Criteria: LabCorp Variant Classification Summary - May 2015. Collection method: clinical testing. Allele origin: germline.
Comment: Variant summary: BRCA1 c.4992C>A results in a synonymous change. 4/4 computational tools predict no significant impact on normal splicing. However, these predictions have yet to be confirmed by functional studies. The variant was absent in 251306 control chromosomes (gnomAD). The available data on variant occurrences in the general population are insufficient to allow any conclusion about variant significance. To our knowledge, the variant, c.4992C>A, has not been reported in the literature in individuals affected with Hereditary Breast and Ovarian Cancer Syndrome, and no experimental evidence demonstrating an impact on protein function has been reported. No clinical diagnostic laboratories have submitted clinical-significance assessments for this variant to ClinVar after 2014. Based on the evidence outlined above, the variant was classified as likely benign.

Literature cited by the submitters: PubMed 16267036 (cited by Women's Health and Genetics/Laboratory Corporation of America, LabCorp); PubMed 32571788 (cited by Women's Health and Genetics/Laboratory Corporation of America, LabCorp).